The following is an entry in ClinVar:

ClinVar aggregate classification (germline): Uncertain significance. Review status: criteria provided, single submitter (1 of 4 stars). 2 submissions from 2 submitters: Uncertain significance (1). 1 of the submissions does not count toward it. Last evaluated 2023-09-11.

Conditions:
ADAMTS9-related disorder. Also called: ADAMTS9-related condition.

Allele frequency attached by ClinVar (database versions not stated): TOPMed 0.00003; ExAC 0.00007.
gnomAD v4.1: 15 of 1,613,702 alleles (0.00093%); highest among the groups gnomAD compares: Admixed American, 0.025%; no homozygotes.

Submissions (2):

Labcorp Genetics (formerly Invitae), Labcorp
Classification: Uncertain significance. Last evaluated: 2023-09-11. Review status: criteria provided, single submitter. Criteria: Invitae Variant Classification Sherloc (09022015). Collection method: clinical testing. Allele origin: germline.
Comment: In summary, the available evidence is currently insufficient to determine the role of this variant in disease. Therefore, it has been classified as a Variant of Uncertain Significance. Algorithms developed to predict the effect of sequence changes on RNA splicing suggest that this variant may disrupt the consensus splice site. ClinVar contains an entry for this variant (Variation ID: 1510869). This variant has not been reported in the literature in individuals affected with ADAMTS9-related conditions. This variant is present in population databases (rs775202077, gnomAD 0.04%). This sequence change falls in intron 26 of the ADAMTS9 gene. It does not directly change the encoded amino acid sequence of the ADAMTS9 protein.

PreventionGenetics, part of Exact Sciences
Classification: Likely benign for ADAMTS9-related condition. Last evaluated: 2019-09-06. Review status: no assertion criteria provided. Collection method: clinical testing. Allele origin: germline. Not counted in ClinVar's aggregate classification.
Comment: This variant is classified as likely benign based on ACMG/AMP sequence variant interpretation guidelines (Richards et al. 2015 PMID: 25741868, with internal and published modifications).

NM_182920.2(ADAMTS9):c.4018-7T>C

Gene: ADAMTS9 (ADAM metallopeptidase with thrombospondin type 1 motif 9; minus strand). Cytogenetic location: 3p14.1.
Variant type: single nucleotide variant.
Coding change: c.4018-7T>C on transcript NM_182920.2 (MANE Select); 7 bases into the intron before coding-DNA position 4018, T replaced by C.
Molecular consequence: intron variant.
Genome position (GRCh38, 1-based): chr3:64,596,998, A>G on the plus strand (T>C on the coding strand, the complement: ADAMTS9 is on the minus strand). VCF-style: chr3-64596998-A-G. GRCh37 (hg19) VCF-style: chr3-64582674-A-G.
Other names: c.4018-7T>C (NM_182920.1); c.3934-7T>C (NM_001318781.2).
Identifiers: ClinVar variation 1510869 (VCV001510869.10), dbSNP rs775202077, ClinGen allele CA2480648.